The following is an entry in ClinVar:

ClinVar aggregate classification (germline): Uncertain significance (1 of 4 stars; one submission).

Conditions:
Cardiomyopathy (CMYO). Also called: Cardiomyopathies. Identifiers: Orphanet 167848, MedGen C0878544, MONDO:0004994, HP:0001638. Inheritance: Various modes of inheritance.

Submission:

Color Diagnostics, LLC DBA Color Health
Classification: Uncertain significance for Cardiomyopathy. Last evaluated: 2025-05-12. Review status: criteria provided, single submitter. Criteria: ACMG Guidelines, 2015. Collection method: clinical testing. Allele origin: germline.
Comment: This missense variant replaces proline with alanine at codon 558 of the PRKAG2 protein. Computational prediction is inconclusive regarding the impact of this variant on protein structure and function. To our knowledge, functional studies have not been reported for this variant. This variant has not been reported in individuals affected with PRKAG2-related disorders in the literature. This variant has not been identified in the general population by the Genome Aggregation Database (gnomAD). The available evidence is insufficient to determine the role of this variant in disease conclusively. Therefore, this variant is classified as a Variant of Uncertain Significance.

NM_016203.4(PRKAG2):c.1672C>G (p.Pro558Ala)

Gene: PRKAG2 (protein kinase AMP-activated non-catalytic subunit gamma 2; minus strand). Cytogenetic location: 7q36.1.
Variant type: single nucleotide variant.
Coding change: c.1672C>G on transcript NM_016203.4 (MANE Select); coding-DNA position 1672, C replaced by G.
Protein change: p.Pro558Ala; replaces proline 558 with alanine.
Molecular consequence: missense variant.
Genome position (GRCh38, 1-based): chr7:151,560,530, G>C on the plus strand (C>G on the coding strand, the complement: PRKAG2 is on the minus strand). VCF-style: chr7-151560530-G-C. GRCh37 (hg19) VCF-style: chr7-151257616-G-C.
Other names: c.1540C>G, p.Pro514Ala (NM_001040633.2, NM_001407024.1); c.1297C>G, p.Pro433Ala (NM_001304527.2, NM_001407029.1); c.949C>G, p.Pro317Ala (NM_001304531.2, NM_001407034.1, NM_001407035.1 and 1 more transcripts); c.1300C>G, p.Pro434Ala (NM_001363698.2, NM_001407028.1); c.1672C>G, p.Pro558Ala (NM_001407021.1); c.1669C>G, p.Pro557Ala (NM_001407022.1, NM_001407023.1); c.1537C>G, p.Pro513Ala (NM_001407026.1, NM_001407027.1); c.1384C>G, p.Pro462Ala (NM_001407030.1); and 6 more; short protein forms P316A, P317A, P333A, P337A, P433A, P434A, P450A, P452A.
Identifiers: ClinVar variation 4756739 (VCV004756739.1).